The following is an entry in ClinVar:

NM_021076.4(NEFH):c.666_667del (p.Leu223fs)

Gene: NEFH (neurofilament heavy chain; plus strand). Cytogenetic location: 22q12.2.
Variant type: Microsatellite.
Coding change: c.666_667del on transcript NM_021076.4 (MANE Select); coding-DNA positions 666 to 667, 2 bases deleted (GC; older notation c.666_667delGC).
Protein change: p.Leu223fs; shifts the reading frame from leucine 223.
Molecular consequence: frameshift variant.
Genome position (GRCh38, 1-based): chr22:29,480,928-29,480,929, GC deleted; deleting any 2 consecutive bases within chr22:29,480,926-29,480,929 gives the same sequence; the c. name uses the placement nearest the transcript's 3' end. VCF-style (leftmost placement, unchanged base first): chr22-29480925-GGC-G. GRCh37 (hg19) VCF-style: chr22-29876914-GGC-G.
Other names: c.666_667del (NM_021076.3); short protein forms L223fs.
Identifiers: ClinVar variation 2748657 (VCV002748657.4), dbSNP rs2517969330, ClinGen allele CA2656015169.

ClinVar aggregate classification (germline): Uncertain significance. Review status: criteria provided, multiple submitters, no conflicts (2 of 4 stars). 2 submissions from 2 submitters: Uncertain significance (2). Last evaluated 2023-08-06.

Submissions (2):

Labcorp Genetics (formerly Invitae), Labcorp
Classification: Uncertain significance. Last evaluated: 2023-08-06. Review status: criteria provided, single submitter. Criteria: Invitae Variant Classification Sherloc (09022015). Collection method: clinical testing. Allele origin: germline.
Comment: In summary, the available evidence is currently insufficient to determine the role of this variant in disease. Therefore, it has been classified as a Variant of Uncertain Significance. This variant has not been reported in the literature in individuals affected with NEFH-related conditions. This variant is not present in population databases (gnomAD no frequency). This sequence change creates a premature translational stop signal (p.Leu223Alafs*56) in the NEFH gene. It is expected to result in an absent or disrupted protein product. However, the current clinical and genetic evidence is not sufficient to establish whether loss-of-function variants in NEFH cause disease.

GeneDx
Classification: Uncertain significance. Last evaluated: 2023-06-12. Review status: criteria provided, single submitter. Criteria: GeneDx Variant Classification Process June 2021. Collection method: clinical testing. Allele origin: germline. Affected: yes.
Comment: Not observed at significant frequency in large population cohorts (gnomAD); Frameshift variant predicted to result in protein truncation or nonsense mediated decay in a gene or region of a gene for which loss of function is not a well-established mechanism of disease; Has not been previously published as pathogenic or benign to our knowledge